The following is an entry in ClinVar:

ClinVar aggregate classification (germline): Pathogenic (1 of 4 stars; one submission).

Conditions:
Charcot-Marie-Tooth disease type 2. Also called: Charcot-Marie-Tooth type 2. Identifiers: Orphanet 64746, MedGen C0270914, MONDO:0018993.

Submission:

Labcorp Genetics (formerly Invitae), Labcorp
Classification: Pathogenic for Charcot-Marie-Tooth disease type 2. Last evaluated: 2016-01-16. Review status: criteria provided, single submitter. Criteria: Invitae Variant Classification Sherloc (09022015). Collection method: clinical testing. Allele origin: germline.
Comment: This sequence change results in a premature translational stop signal in the last exon of the MFN2 mRNA at codon 752 (p.Tyr752*). While this is not anticipated to result in nonsense mediated decay, it is expected to create a truncated MFN2 protein. This variant is not present in population databases (ExAC no frequency). While this particular nucleotide change has not been reported in the literature, a different nucleotide change c.2256C>A causing the same p.Tyr752* truncation has been reported in a patient affected with CMT2A (PMID: 21508331). This variant is expected to interfere with MFN2 protein function because it disrupts a highly conserved coiled-coil region which is essential for tethering of mitochondria before fusion (PMID: 21508331). In summary, this sequence change is predicted to produce a truncated protein product which disrupts a highly conserved functional region of the MFN2 protein. While this variant is novel at the nucleotide level, the same protein truncation has been reported in a patient affected with CMT2A. For these reasons, it has been classified as Pathogenic.

NM_014874.4(MFN2):c.2256C>G (p.Tyr752Ter)

Gene: MFN2 (mitofusin 2; plus strand). Cytogenetic location: 1p36.22.
Variant type: single nucleotide variant.
Coding change: c.2256C>G on transcript NM_014874.4 (MANE Select); coding-DNA position 2256, C replaced by G.
Protein change: p.Tyr752Ter; replaces tyrosine 752 with a stop codon.
Molecular consequence: nonsense.
Genome position (GRCh38, 1-based): chr1:12,011,547, C>G. VCF-style: chr1-12011547-C-G. GRCh37 (hg19) VCF-style: chr1-12071604-C-G.
Other names: c.2256C>G, p.Tyr752Ter (NM_001127660.2); short protein forms Y752*.
Identifiers: ClinVar variation 240946 (VCV000240946.1), dbSNP rs863224968, ClinGen allele CA10581724.